The following is an entry in ClinVar:

ClinVar aggregate classification (germline): Uncertain significance (1 of 4 stars; one submission).

gnomAD v4.1: 24 of 1,614,024 alleles (0.0015%); highest among the groups gnomAD compares: Admixed American, 0.0033%; no homozygotes.

Submission:

Labcorp Genetics (formerly Invitae), Labcorp
Classification: Uncertain significance. Last evaluated: 2025-04-08. Review status: criteria provided, single submitter. Criteria: Invitae Variant Classification Sherloc (09022015). Collection method: clinical testing. Allele origin: germline.
Comment: This sequence change replaces threonine, which is neutral and polar, with methionine, which is neutral and non-polar, at codon 334 of the KRT16 protein (p.Thr334Met). This variant is present in population databases (rs769839631, gnomAD 0.007%). This variant has not been reported in the literature in individuals affected with KRT16-related conditions. Invitae Evidence Modeling of protein sequence and biophysical properties (such as structural, functional, and spatial information, amino acid conservation, physicochemical variation, residue mobility, and thermodynamic stability) indicates that this missense variant is not expected to disrupt KRT16 protein function with a negative predictive value of 95%. In summary, the available evidence is currently insufficient to determine the role of this variant in disease. Therefore, it has been classified as a Variant of Uncertain Significance.

NM_005557.4(KRT16):c.1001C>T (p.Thr334Met)

Gene: KRT16 (keratin 16; minus strand). Cytogenetic location: 17q21.2.
Variant type: single nucleotide variant.
Coding change: c.1001C>T on transcript NM_005557.4 (MANE Select); coding-DNA position 1001, C replaced by T.
Protein change: p.Thr334Met; replaces threonine 334 with methionine.
Molecular consequence: missense variant.
Genome position (GRCh38, 1-based): chr17:41,610,912, G>A on the plus strand (C>T on the coding strand, the complement: KRT16 is on the minus strand). VCF-style: chr17-41610912-G-A. GRCh37 (hg19) VCF-style: chr17-39767164-G-A.
Other names: short protein forms T334M.
Identifiers: ClinVar variation 4692110 (VCV004692110.1).